The following is an entry in ClinVar:

NM_002890.3(RASA1):c.434dup (p.Leu146fs)

Gene: RASA1 (RAS p21 protein activator 1; plus strand). Cytogenetic location: 5q14.3.
Variant type: Duplication.
Coding change: c.434dup on transcript NM_002890.3 (MANE Select); coding-DNA position 434, one base duplicated (C; older notation c.434dupC).
Protein change: p.Leu146fs; shifts the reading frame from leucine 146.
Molecular consequence: frameshift variant.
Genome position (GRCh38, 1-based): chr5:87,268,885, C duplicated; the last of 5 consecutive C bases (chr5:87,268,881-87,268,885); duplicating any one gives the same sequence. VCF-style (leftmost placement, unchanged base first): chr5-87268880-G-GC. GRCh37 (hg19) VCF-style: chr5-86564697-G-GC.
Other names: short protein forms L146fs.
Identifiers: ClinVar variation 5038434 (VCV005038434.1).
Genomic context (GRCh38, chr5:87,268,880, plus strand): 5'-GCTTGCTGAGACTCTCGGGCCAGGCGGCGGTTTTCCCCCTCTGCCCCCTCCCCCTTACCT[G>GC]CCCCCTTTGGGGGCGGGCCTCGGGACAGTGGACGAAGGTGACTCTCTGGATGGACCAGAA-3'

ClinVar aggregate classification (germline): Pathogenic (1 of 4 stars; one submission).

Conditions:
Vascular skin disorders.

Submission:

Genetics Laboratory, Great Ormond Street Hospital NHS Foundation Trust, North Thames Genomic Laboratory Hub
Classification: Pathogenic for Vascular skin disorders. Last evaluated: 2026-09-04. Review status: criteria provided, single submitter. Criteria: ACGS Best Practice Guidelines for Variant Classification in Rare Disease 2024 v1.2. Collection method: clinical testing. Allele origin: germline. Affected: yes.
Comment: PM2_moderate, PVS1_very-strong